The following is an entry in ClinVar:

ClinVar aggregate classification (germline): Benign/Likely benign. Review status: criteria provided, multiple submitters, no conflicts (2 of 4 stars). 9 submissions from 9 submitters: Benign (2); Likely benign (5). 2 of the submissions do not count toward it. Last evaluated 2026-07-01.

Conditions:
Duchenne muscular dystrophy (DMD). Also called: Duchenne Muscular Dystrophy (DMD); MUSCULAR DYSTROPHY, PSEUDOHYPERTROPHIC PROGRESSIVE, DUCHENNE TYPE. Identifiers: Orphanet 98896, MedGen C0013264, MONDO:0010679, OMIM 310200.
DMD-related disorder. Also called: DMD-related condition.
Cardiovascular phenotype. Identifiers: MedGen CN230736.
Dystrophin deficiency.
Becker muscular dystrophy (BMD). Also called: Becker Muscular Dystrophy (BMD); MUSCULAR DYSTROPHY, PSEUDOHYPERTROPHIC PROGRESSIVE, BECKER TYPE. Identifiers: Orphanet 98895, MedGen C0917713, MONDO:0010311, OMIM 300376.
Cardiomyopathy (CMYO). Also called: Cardiomyopathies. Identifiers: Orphanet 167848, MedGen C0878544, MONDO:0004994, HP:0001638. Inheritance: Various modes of inheritance.

Allele frequency attached by ClinVar (database versions not stated): TOPMed 0.00014; 1000 Genomes Project 30x 0.00021.
gnomAD v4.1: 92 of 1,209,416 alleles (0.0076%); highest among the groups gnomAD compares: East Asian, 0.17%; no homozygotes.

Submissions (9):

CeGaT Center for Human Genetics Tuebingen
Classification: Likely benign. Last evaluated: 2026-07-01. Review status: criteria provided, single submitter. Criteria: CeGaT Center For Human Genetics Tuebingen Variant Classification Criteria Version 2. Collection method: clinical testing. Allele origin: germline. Affected: yes. Observed: 1 variant allele.
Comment: DMD: BP4, BP7, BS2

Labcorp Genetics (formerly Invitae), Labcorp
Classification: Benign for Duchenne muscular dystrophy. Last evaluated: 2026-02-03. Review status: criteria provided, single submitter. Criteria: Invitae Variant Classification Sherloc (09022015). Collection method: clinical testing. Allele origin: germline.

Mayo Clinic Laboratories, Mayo Clinic
Classification: Likely benign. Last evaluated: 2025-07-15. Review status: criteria provided, single submitter. Criteria: ACMG Guidelines, 2015. Collection method: clinical testing. Allele origin: germline. Observed: 2 variant alleles.
Comment: BS1, BP4, BP7

Blueprint Genetics
Classification: Likely benign. Last evaluated: 2024-11-20. Review status: criteria provided, single submitter. Criteria: ACMG Guidelines, 2015. Collection method: clinical testing. Allele origin: germline.

GeneDx
Classification: Benign. Last evaluated: 2021-01-14. Review status: criteria provided, single submitter. Criteria: GeneDx Variant Classification Process June 2021. Collection method: clinical testing. Allele origin: germline. Affected: yes.

Ambry Genetics
Classification: Likely benign for Cardiovascular phenotype. Last evaluated: 2019-01-28. Review status: criteria provided, single submitter. Criteria: Ambry Variant Classification Scheme 2023. Collection method: clinical testing. Allele origin: germline.

Eurofins Ntd Llc (ga)
Classification: Likely benign. Last evaluated: 2016-10-27. Review status: criteria provided, single submitter. Criteria: EGL Classification Definitions 2015. Collection method: clinical testing. Allele origin: germline. Observed: 1 variant allele, 1 hemizygote.

PreventionGenetics, part of Exact Sciences
Classification: Likely benign for DMD-related condition. Last evaluated: 2019-09-03. Review status: no assertion criteria provided. Collection method: clinical testing. Allele origin: germline. Not counted in ClinVar's aggregate classification.
Comment: This variant is classified as likely benign based on ACMG/AMP sequence variant interpretation guidelines (Richards et al. 2015 PMID: 25741868, with internal and published modifications).

Natera, Inc.
Classification: Likely benign for Becker muscular dystrophy; Cardiomyopathy; Duchenne muscular dystrophy; Dystrophin deficiency. Last evaluated: 2019-06-24. Review status: no assertion criteria provided. Collection method: clinical testing. Allele origin: germline. Not counted in ClinVar's aggregate classification.

NM_004006.3(DMD):c.1869C>G (p.Leu623=)

Gene: DMD (dystrophin; minus strand). Cytogenetic location: Xp21.1.
Variant type: single nucleotide variant.
Coding change: c.1869C>G on transcript NM_004006.3 (MANE Select); coding-DNA position 1869, C replaced by G.
Protein change: p.Leu623=; no amino-acid change (leucine 623 retained).
Molecular consequence: synonymous variant.
Genome position (GRCh38, 1-based): chrX:32,565,825, G>C on the plus strand (C>G on the coding strand, the complement: DMD is on the minus strand). VCF-style: chrX-32565825-G-C. GRCh37 (hg19) VCF-style: chrX-32583942-G-C.
Other names: p.Leu623=; c.1845C>G, p.Leu615= (NM_000109.4); c.1857C>G, p.Leu619= (NM_004009.3); c.1500C>G, p.Leu500= (NM_004010.3).
Identifiers: ClinVar variation 388592 (VCV000388592.24), dbSNP rs1800267, ClinGen allele CA10379692.